The following is an entry in ClinVar:

NM_004055.5(CAPN5):c.463C>T (p.Arg155Cys)

Gene: CAPN5 (calpain 5; plus strand). Cytogenetic location: 11q13.5.
Variant type: single nucleotide variant.
Coding change: c.463C>T on transcript NM_004055.5 (MANE Select); coding-DNA position 463, C replaced by T.
Protein change: p.Arg155Cys; replaces arginine 155 with cysteine.
Molecular consequence: missense variant.
Genome position (GRCh38, 1-based): chr11:77,112,754, C>T. VCF-style: chr11-77112754-C-T. GRCh37 (hg19) VCF-style: chr11-76823800-C-T.
Other names: c.463C>T (NM_004055.4); short protein forms R155C.
Identifiers: ClinVar variation 1483726 (VCV001483726.9), dbSNP rs782741590, ClinGen allele CA6196437.

ClinVar aggregate classification (germline): Uncertain significance. Review status: criteria provided, multiple submitters, no conflicts (2 of 4 stars). 2 submissions from 2 submitters: Uncertain significance (2). Last evaluated 2025-08-09.

Conditions:
Inborn genetic diseases. Identifiers: MedGen C0950123, MeSH D030342.

Allele frequency attached by ClinVar (database versions not stated): TOPMed 0.00002; gnomAD 0.00003; ExAC 0.00001; gnomAD exomes 0.00001 and 0.00002.
gnomAD v4.1: 19 of 1,614,152 alleles (0.0012%); highest among the groups gnomAD compares: Admixed American, 0.0033%; no homozygotes.

Submissions (2):

Ambry Genetics
Classification: Uncertain significance for Inborn genetic diseases. Last evaluated: 2025-08-09. Review status: criteria provided, single submitter. Criteria: Ambry Variant Classification Scheme 2023. Collection method: clinical testing. Allele origin: germline.

Labcorp Genetics (formerly Invitae), Labcorp
Classification: Uncertain significance. Last evaluated: 2024-11-19. Review status: criteria provided, single submitter. Criteria: Invitae Variant Classification Sherloc (09022015). Collection method: clinical testing. Allele origin: germline.
Comment: This sequence change replaces arginine, which is basic and polar, with cysteine, which is neutral and slightly polar, at codon 155 of the CAPN5 protein (p.Arg155Cys). This variant is present in population databases (rs782741590, gnomAD 0.006%). This variant has not been reported in the literature in individuals affected with CAPN5-related conditions. ClinVar contains an entry for this variant (Variation ID: 1483726). Invitae Evidence Modeling of protein sequence and biophysical properties (such as structural, functional, and spatial information, amino acid conservation, physicochemical variation, residue mobility, and thermodynamic stability) indicates that this missense variant is not expected to disrupt CAPN5 protein function with a negative predictive value of 80%. In summary, the available evidence is currently insufficient to determine the role of this variant in disease. Therefore, it has been classified as a Variant of Uncertain Significance.